The following is an entry in ClinVar:

ClinVar aggregate classification (germline): Uncertain significance (1 of 4 stars; one submission).

Conditions:
Autoimmune lymphoproliferative syndrome type 2B. Also called: AUTOIMMUNE LYMPHOPROLIFERATIVE SYNDROME, TYPE IIB. Identifiers: Orphanet 275517, MedGen C1846545, MONDO:0011804, OMIM 607271.

Submission:

Labcorp Genetics (formerly Invitae), Labcorp
Classification: Uncertain significance for Autoimmune lymphoproliferative syndrome type 2B. Last evaluated: 2019-11-05. Review status: criteria provided, single submitter. Criteria: Invitae Variant Classification Sherloc (09022015). Collection method: clinical testing. Allele origin: germline.
Comment: This sequence change replaces proline with serine at codon 349 of the CASP8 protein (p.Pro349Ser). The proline residue is moderately conserved and there is a moderate physicochemical difference between proline and serine. This variant is not present in population databases (ExAC no frequency). This variant has not been reported in the literature in individuals with CASP8-related conditions. Algorithms developed to predict the effect of missense changes on protein structure and function output the following: SIFT: "Tolerated"; PolyPhen-2: "Benign"; Align-GVGD: "Class C0". The serine amino acid residue is found in multiple mammalian species, suggesting that this missense change does not adversely affect protein function. These predictions have not been confirmed by published functional studies and their clinical significance is uncertain. In summary, the available evidence is currently insufficient to determine the role of this variant in disease. Therefore, it has been classified as a Variant of Uncertain Significance.

NM_001372051.1(CASP8):c.994C>T (p.Pro332Ser)

Gene: CASP8 (caspase 8; plus strand). Cytogenetic location: 2q33.1.
Variant type: single nucleotide variant.
Coding change: c.994C>T on transcript NM_001372051.1 (MANE Select); coding-DNA position 994, C replaced by T.
Protein change: p.Pro332Ser; replaces proline 332 with serine.
Molecular consequence: missense variant. On other transcripts: non-coding transcript variant (22), intron variant (1).
Genome position (GRCh38, 1-based): chr2:201,285,007, C>T. VCF-style: chr2-201285007-C-T. GRCh37 (hg19) VCF-style: chr2-202149730-C-T.
Other names: c.949C>T, p.Pro317Ser (NM_001080124.2, NM_001400658.1, NM_001400659.1 and 5 more transcripts); c.1171C>T, p.Pro391Ser (NM_001080125.2); c.1045C>T, p.Pro349Ser (NM_001228.5); c.1126C>T, p.Pro376Ser (NM_001400642.1); c.1027C>T, p.Pro343Ser (NM_001400645.1); c.994C>T, p.Pro332Ser (NM_001400648.1, NM_001400651.1, NM_001400653.1 and 5 more transcripts); c.925C>T, p.Pro309Ser (NM_001400664.1); c.919C>T, p.Pro307Ser (NM_001400665.1); and 7 more; short protein forms P317S, P349S, P332S, P391S, P118S, P127S, P133S, P229S.
Identifiers: ClinVar variation 954826 (VCV000954826.10), dbSNP rs779065011, ClinGen allele CA350300545.